The following is an entry in ClinVar:

NM_001367873.1(SOX6):c.1154T>C (p.Met385Thr)

Gene: SOX6 (SRY-box transcription factor 6; minus strand). Cytogenetic location: 11p15.2.
Variant type: single nucleotide variant.
Coding change: c.1154T>C on transcript NM_001367873.1 (MANE Select); coding-DNA position 1154, T replaced by C.
Protein change: p.Met385Thr; replaces methionine 385 with threonine.
Molecular consequence: missense variant.
Genome position (GRCh38, 1-based): chr11:16,055,849, A>G on the plus strand (T>C on the coding strand, the complement: SOX6 is on the minus strand). VCF-style: chr11-16055849-A-G. GRCh37 (hg19) VCF-style: chr11-16077395-A-G.
Other names: c.1031T>C, p.Met344Thr (NM_001145811.2, NM_001367872.1, NM_017508.3); c.1154T>C, p.Met385Thr (NM_001145819.2, NM_033326.3); short protein forms M344T, M385T.
Identifiers: ClinVar variation 2502451 (VCV002502451.1), dbSNP rs759342888, ClinGen allele CA379877152.

ClinVar aggregate classification (germline): Uncertain significance (1 of 4 stars; one submission).

gnomAD v4.1: 1 of 1,613,778 alleles (0.000062%); highest among the groups gnomAD compares: Admixed American, 0.0017%; no homozygotes.

Submission:

GeneDx
Classification: Uncertain significance. Last evaluated: 2022-11-16. Review status: criteria provided, single submitter. Criteria: GeneDx Variant Classification Process June 2021. Collection method: clinical testing. Allele origin: germline. Affected: yes.
Comment: Not observed at significant frequency in large population cohorts (gnomAD); In silico analysis supports that this missense variant does not alter protein structure/function; Has not been previously published as pathogenic or benign to our knowledge